The following is an entry in ClinVar:

NM_003280.3(TNNC1):c.180G>A (p.Met60Ile)

Gene: TNNC1 (troponin C1, slow skeletal and cardiac type; minus strand). Cytogenetic location: 3p21.1.
Variant type: single nucleotide variant.
Coding change: c.180G>A on transcript NM_003280.3 (MANE Select); coding-DNA position 180, G replaced by A.
Protein change: p.Met60Ile; replaces methionine 60 with isoleucine.
Molecular consequence: missense variant.
Genome position (GRCh38, 1-based): chr3:52,452,128, C>T on the plus strand (G>A on the coding strand, the complement: TNNC1 is on the minus strand). VCF-style: chr3-52452128-C-T. GRCh37 (hg19) VCF-style: chr3-52486144-C-T.
Other names: short protein forms M60I.
Identifiers: ClinVar variation 1016295 (VCV001016295.10), dbSNP rs1471808574, ClinGen allele CA353168219.
Genomic context (GRCh38, chr3:52,452,128, plus strand): 5'-CTGGGGTTCTTCTGGAGCCTGGGGAGGAGGGGGCTCACCGTCCTCGTCCACCTCATCGAT[C>T]ATCTCCTGCAGCTCCTCAGGGGTGGGGTTCTGGCCCAGCATCCTCATCACCTTGCCCAGC-3'
Protein context (NP_003271.1, residues 50-70): QNPTPEELQE[Met60Ile]IDEVDEDGSG

ClinVar aggregate classification (germline): Uncertain significance. Review status: criteria provided, multiple submitters, no conflicts (2 of 4 stars). 3 submissions from 3 submitters: Uncertain significance (3). Last evaluated 2025-09-23.

Conditions:
Cardiovascular phenotype. Identifiers: MedGen CN230736.
Dilated cardiomyopathy 1Z (CMD1Z). Identifiers: Orphanet 154, MedGen C2678475, MONDO:0012745, OMIM 611879.
Hypertrophic cardiomyopathy 13. Also called: TNNC1-Related Familial Hypertrophic Cardiomyopathy. Identifiers: MedGen C2750472, MONDO:0013195, OMIM 613243.

Allele frequency attached by ClinVar (database versions not stated): gnomAD 0.00001; gnomAD exomes 0.00001; TOPMed 0.00001.

Submissions (3):

Labcorp Genetics (formerly Invitae), Labcorp
Classification: Uncertain significance for Hypertrophic cardiomyopathy 13; Dilated cardiomyopathy 1Z. Last evaluated: 2025-09-23. Review status: criteria provided, single submitter. Criteria: Invitae Variant Classification Sherloc (09022015). Collection method: clinical testing. Allele origin: germline.
Comment: This sequence change replaces methionine, which is neutral and non-polar, with isoleucine, which is neutral and non-polar, at codon 60 of the TNNC1 protein (p.Met60Ile). This variant is present in population databases (no rsID available, gnomAD 0.01%). This variant has not been reported in the literature in individuals affected with TNNC1-related conditions. ClinVar contains an entry for this variant (Variation ID: 1016295). An algorithm developed to predict the effect of missense changes on protein structure and function (PolyPhen-2) suggests that this variant is likely to be disruptive. In summary, the available evidence is currently insufficient to determine the role of this variant in disease. Therefore, it has been classified as a Variant of Uncertain Significance.

Ambry Genetics
Classification: Uncertain significance for Cardiovascular phenotype. Last evaluated: 2023-06-29. Review status: criteria provided, single submitter. Criteria: Ambry Variant Classification Scheme 2023. Collection method: clinical testing. Allele origin: germline.
Comment: The p.M60I variant (also known as c.180G>A), located in coding exon 3 of the TNNC1 gene, results from a G to A substitution at nucleotide position 180. The methionine at codon 60 is replaced by isoleucine, an amino acid with highly similar properties. This amino acid position is well conserved in available vertebrate species; however, isoleucine is the reference amino acid in other vertebrate species. In addition, the in silico prediction for this alteration is inconclusive. Since supporting evidence is limited at this time, the clinical significance of this alteration remains unclear.

GeneDx
Classification: Uncertain significance. Last evaluated: 2018-09-07. Review status: criteria provided, single submitter. Criteria: GeneDx Variant Classification Process June 2021. Collection method: clinical testing. Allele origin: germline. Affected: yes.
Comment: Has not been previously published as pathogenic or benign to our knowledge; In silico analysis, which includes protein predictors and evolutionary conservation, supports that this variant does not alter protein structure/function